The following is an entry in ClinVar:

ClinVar aggregate classification (germline): Uncertain significance (0 of 4 stars; one submission).

Conditions:
TRPC5-related disorder. Also called: TRPC5-related condition.

Submission:

PreventionGenetics, part of Exact Sciences
Classification: Uncertain significance for TRPC5-related condition. Last evaluated: 2024-08-28. Review status: no assertion criteria provided. Collection method: clinical testing. Allele origin: germline.
Comment: The TRPC5 c.2036_2038delACA variant is predicted to result in an in-frame deletion (p.Asn679del). To our knowledge, this variant has not been reported in the literature. This variant is reported in 0.0037% of alleles in individuals of European (Non-Finnish) descent in gnomAD. At this time, the clinical significance of this variant is uncertain due to the absence of conclusive functional and genetic evidence.

NM_012471.3(TRPC5):c.2033ACA[1] (p.Asn679del)

Gene: TRPC5 (transient receptor potential cation channel subfamily C member 5; minus strand). Cytogenetic location: Xq23.
Variant type: Microsatellite.
Coding change: c.2033ACA[1] on transcript NM_012471.3 (MANE Select); one copy of the 3-base unit ACA starting at c.2033; the reference has two copies in a row; one copy, 3 bases deleted.
Protein change: p.Asn679del; deletes asparagine 679.
Molecular consequence: inframe deletion. On other transcripts: inframe indel (2).
Genome position (GRCh38, 1-based): chrX:111,781,997-111,781,999, TGT deleted on the plus strand (ACA on the coding strand, the reverse complement: TRPC5 is on the minus strand); deleting any 3 consecutive bases within chrX:111,781,997-111,782,004 gives the same sequence; the position shown is the placement nearest the transcript's 3' end. VCF-style (leftmost placement, unchanged base first): chrX-111781996-GTGT-G. GRCh37 (hg19) VCF-style: chrX-111025224-GTGT-G.
Other names: c.2031_2033CAA[1], p.Asn679del (NM_012471.2); c.2036_2038delACA (NM_012471.2); short protein forms N679del.
Identifiers: ClinVar variation 3352434 (VCV003352434.1).